The following is an entry in ClinVar:

NM_001113378.2(FANCI):c.2693A>G (p.Lys898Arg)

Gene: FANCI (FA complementation group I; plus strand). Cytogenetic location: 15q26.1.
Variant type: single nucleotide variant.
Coding change: c.2693A>G on transcript NM_001113378.2 (MANE Select); coding-DNA position 2693, A replaced by G.
Protein change: p.Lys898Arg; replaces lysine 898 with arginine.
Molecular consequence: missense variant.
Genome position (GRCh38, 1-based): chr15:89,299,856, A>G. VCF-style: chr15-89299856-A-G. GRCh37 (hg19) VCF-style: chr15-89843087-A-G.
Other names: c.2414A>G, p.Lys805Arg (NM_001376910.1); c.2693A>G, p.Lys898Arg (NM_001376911.1); c.2513A>G, p.Lys838Arg (NM_018193.3); short protein forms K805R, K838R, K898R.
Identifiers: ClinVar variation 3616026 (VCV003616026.2).

ClinVar aggregate classification (germline): Uncertain significance (1 of 4 stars; one submission).

Conditions:
Fanconi anemia (FA). Also called: Fanconi's anemia. Identifiers: Orphanet 84, MedGen C0015625, MeSH D005199, MONDO:0019391.

gnomAD v4.1: 2 of 1,614,134 alleles (0.00012%); highest among the groups gnomAD compares: African/African-American, 0.0027%; no homozygotes.

Submission:

Labcorp Genetics (formerly Invitae), Labcorp
Classification: Uncertain significance for Fanconi anemia. Last evaluated: 2025-01-08. Review status: criteria provided, single submitter. Criteria: Invitae Variant Classification Sherloc (09022015). Collection method: clinical testing. Allele origin: germline.
Comment: This sequence change replaces lysine, which is basic and polar, with arginine, which is basic and polar, at codon 898 of the FANCI protein (p.Lys898Arg). This variant is present in population databases (rs530089482, gnomAD 0.007%). This variant has not been reported in the literature in individuals affected with FANCI-related conditions. Invitae Evidence Modeling of protein sequence and biophysical properties (such as structural, functional, and spatial information, amino acid conservation, physicochemical variation, residue mobility, and thermodynamic stability) has been performed for this missense variant. However, the output from this modeling did not meet the statistical confidence thresholds required to predict the impact of this variant on FANCI protein function. In summary, the available evidence is currently insufficient to determine the role of this variant in disease. Therefore, it has been classified as a Variant of Uncertain Significance.